The following is an entry in ClinVar:

ClinVar aggregate classification (germline): Likely benign (1 of 4 stars; one submission).

Conditions:
Breast-ovarian cancer, familial, susceptibility to, 2 (BROVCA2). Also called: BRCA2 Hereditary Breast and Ovarian Cancer. Identifiers: Orphanet 145, MedGen C2675520, MONDO:0012933, OMIM 612555. Disease mechanism: loss of function.

gnomAD v4.1: 2 of 1,613,994 alleles (0.00012%); highest among the groups gnomAD compares: South Asian, 0.0022%; no homozygotes.

Submission:

Cancer Bioinformatics and Tumour Evolution Laboratory, Monash University
Classification: Likely benign for Breast-ovarian cancer, familial, susceptibility to, 2. Last evaluated: 2026-05-01. Review status: criteria provided, single submitter. Criteria: ClinGen BRCA1 and BRCA2 Guidelines, 2024. Collection method: curation. Allele origin: germline. Inheritance: Autosomal dominant inheritance.
Comment: Missense variant outside of a functional domain with no splice impact. BRCA1 and BRCA2 VCEP guidelines recommend application of BP1_Strong (PMID: 39142283)

NM_000059.4(BRCA2):c.2160T>A (p.Asp720Glu)

Gene: BRCA2 (BRCA2 DNA repair associated; plus strand). Cytogenetic location: 13q13.1.
Variant type: single nucleotide variant.
Coding change: c.2160T>A on transcript NM_000059.4 (MANE Select); coding-DNA position 2160, T replaced by A.
Protein change: p.Asp720Glu; replaces aspartic acid 720 with glutamic acid.
Molecular consequence: missense variant. On other transcripts: non-coding transcript variant (1), intron variant (2).
Genome position (GRCh38, 1-based): chr13:32,336,515, T>A. VCF-style: chr13-32336515-T-A. GRCh37 (hg19) VCF-style: chr13-32910652-T-A.
Other names: c.2160T>A, p.Asp720Glu (NM_001406719.1, NM_001406720.1, NM_001432077.1); c.1909+3128T>A (NM_001406721.1); c.424+5485T>A (NM_001406722.1); short protein forms D720E.
Identifiers: ClinVar variation 4856464 (VCV004856464.1).